The following is an entry in ClinVar:

ClinVar aggregate classification (germline): Pathogenic. Review status: criteria provided, multiple submitters, no conflicts (2 of 4 stars). 2 submissions from 2 submitters: Pathogenic (2). Last evaluated 2025-10-12.

Conditions:
Marfan syndrome (MFS). Also called: Marfan syndrome, classic; Marfan syndrome type 1; Marfan's syndrome; MARFAN SYNDROME, TYPE I; FBN1-Related Marfan Syndrome. Identifiers: Orphanet 284963, Orphanet 558, MedGen C0024796, MONDO:0007947, OMIM 154700.
Familial thoracic aortic aneurysm and aortic dissection (TAAD). Also called: Thoracic aortic aneurysms and dissections. Identifiers: Orphanet 91387, MedGen C4707243, MONDO:0019625.

Submissions (2):

Labcorp Genetics (formerly Invitae), Labcorp
Classification: Pathogenic for Marfan syndrome; Familial thoracic aortic aneurysm and aortic dissection. Last evaluated: 2025-10-12. Review status: criteria provided, single submitter. Criteria: Invitae Variant Classification Sherloc (09022015). Collection method: clinical testing. Allele origin: germline.
Comment: This sequence change replaces cysteine, which is neutral and slightly polar, with tyrosine, which is neutral and polar, at codon 937 of the FBN1 protein (p.Cys937Tyr). This variant is not present in population databases (gnomAD no frequency). This missense change has been observed in individual(s) with Marfan syndrome (PMID: 28442527). In at least one individual the variant was observed to be de novo. ClinVar contains an entry for this variant (Variation ID: 389041). Invitae Evidence Modeling of protein sequence and biophysical properties (such as structural, functional, and spatial information, amino acid conservation, physicochemical variation, residue mobility, and thermodynamic stability) indicates that this missense variant is expected to disrupt FBN1 protein function with a positive predictive value of 95%. This variant affects a cysteine residue in the EGF-like, TGFBP or hybrid motif domains of FBN1. Cysteine residues are believed to be involved in intramolecular disulfide bridges and have been shown to be important for FBN1 protein structure (PMID: 16905551, 19349279). In addition, missense substitutions affecting cysteine residues within these domains are significantly overrepresented among patients with Marfan syndrome (PMID: 16571647, 17701892). For these reasons, this variant has been classified as Pathogenic.

GeneDx
Classification: Pathogenic. Last evaluated: 2017-03-14. Review status: criteria provided, single submitter. Criteria: GeneDx Variant Classification (06012015). Collection method: clinical testing. Allele origin: germline. Affected: yes.
Comment: The C937Y likely pathogenic variant in the FBN1 gene has been previously reported in one individual with Marfan syndrome; this variant was found to be absent from parental testing and was therefore thought to have occurred de novo (Nam et al., 2016). The C937Y variant was not observed in approximately 6,500 individuals of European and African American ancestry in the NHLBI Exome Sequencing Project, indicating it is not a common benign variant in these populations. The C937Y variant is a non-conservative amino acid substitution, which is likely to impact secondary protein structure as these residues differ in polarity, charge, size and/or other properties. This substitution also occurs at a position that is conserved across species. Consequently, in silico analysis predicts this variant is probably damaging to the protein structure/function. Furthermore, the C937Y variant affects a Cysteine residue within a calcium-binding EGF-like domain of the FBN1 gene, which may affect disulfide bonding and is predicted to alter the structure and function of the protein. Cysteine substitutions in the calcium-binding EGF-like domains represent the majority of pathogenic missense changes associated with Marfan syndrome and other FBN1-related disorders (Collod-Beroud et al., 2003). Therefore, this variant is likely pathogenic. In order to definitively determine its clinical significance, additional data is required.

Literature cited by the submitters: PubMed 28442527 (cited by Labcorp Genetics (formerly Invitae), Labcorp); PubMed 16905551 (cited by Labcorp Genetics (formerly Invitae), Labcorp); PubMed 19349279 (cited by Labcorp Genetics (formerly Invitae), Labcorp); PubMed 16571647 (cited by Labcorp Genetics (formerly Invitae), Labcorp); PubMed 17701892 (cited by Labcorp Genetics (formerly Invitae), Labcorp).

NM_000138.5(FBN1):c.2810G>A (p.Cys937Tyr)

Gene: FBN1 (fibrillin 1; minus strand). Cytogenetic location: 15q21.1.
Variant type: single nucleotide variant.
Coding change: c.2810G>A on transcript NM_000138.5 (MANE Select); coding-DNA position 2810, G replaced by A.
Protein change: p.Cys937Tyr; replaces cysteine 937 with tyrosine.
Molecular consequence: missense variant.
Genome position (GRCh38, 1-based): chr15:48,492,505, C>T on the plus strand (G>A on the coding strand, the complement: FBN1 is on the minus strand). VCF-style: chr15-48492505-C-T. GRCh37 (hg19) VCF-style: chr15-48784702-C-T.
Other names: short protein forms C937Y.
Identifiers: ClinVar variation 389041 (VCV000389041.4), dbSNP rs113602180, ClinGen allele CA16606971.